The following is an entry in ClinVar:

NM_004963.4(GUCY2C):c.1303G>T (p.Ala435Ser)

Gene: GUCY2C (guanylate cyclase 2C; minus strand). Cytogenetic location: 12p12.3.
Variant type: single nucleotide variant.
Coding change: c.1303G>T on transcript NM_004963.4 (MANE Select); coding-DNA position 1303, G replaced by T.
Protein change: p.Ala435Ser; replaces alanine 435 with serine.
Molecular consequence: missense variant.
Genome position (GRCh38, 1-based): chr12:14,661,042, C>A on the plus strand (G>T on the coding strand, the complement: GUCY2C is on the minus strand). VCF-style: chr12-14661042-C-A. GRCh37 (hg19) VCF-style: chr12-14813976-C-A.
Other names: short protein forms A435S.
Identifiers: ClinVar variation 4779816 (VCV004779816.1).

ClinVar aggregate classification (germline): Uncertain significance (1 of 4 stars; one submission).

gnomAD v4.1: 3 of 1,612,228 alleles (0.00019%); highest among the groups gnomAD compares: Admixed American, 0.005%; no homozygotes.

Submission:

Labcorp Genetics (formerly Invitae), Labcorp
Classification: Uncertain significance. Last evaluated: 2025-02-13. Review status: criteria provided, single submitter. Criteria: Invitae Variant Classification Sherloc (09022015). Collection method: clinical testing. Allele origin: germline.
Comment: This sequence change replaces alanine, which is neutral and non-polar, with serine, which is neutral and polar, at codon 435 of the GUCY2C protein (p.Ala435Ser). This variant is present in population databases (no rsID available, gnomAD 0.009%). This variant has not been reported in the literature in individuals affected with GUCY2C-related conditions. Invitae Evidence Modeling of protein sequence and biophysical properties (such as structural, functional, and spatial information, amino acid conservation, physicochemical variation, residue mobility, and thermodynamic stability) indicates that this missense variant is not expected to disrupt GUCY2C protein function with a negative predictive value of 80%. In summary, the available evidence is currently insufficient to determine the role of this variant in disease. Therefore, it has been classified as a Variant of Uncertain Significance.